The following is an entry in ClinVar:

NM_001378454.1(ALMS1):c.3019_3022del (p.Glu1007fs)

Gene: ALMS1 (ALMS1 centrosome and basal body associated protein; plus strand). Cytogenetic location: 2p13.1.
Variant type: Microsatellite.
Coding change: c.3019_3022del on transcript NM_001378454.1 (MANE Select); coding-DNA positions 3019 to 3022, 4 bases deleted (GAGA; older notation c.3019_3022delGAGA).
Protein change: p.Glu1007fs; shifts the reading frame from glutamic acid 1007.
Molecular consequence: frameshift variant.
Genome position (GRCh38, 1-based): chr2:73,449,546-73,449,549, GAGA deleted; deleting any 4 consecutive bases within chr2:73,449,543-73,449,549 gives the same sequence; the c. name uses the placement nearest the transcript's 3' end. VCF-style (leftmost placement, unchanged base first): chr2-73449542-TAGAG-T. GRCh37 (hg19) VCF-style: chr2-73676669-TAGAG-T.
Other names: c.3022_3025del, p.Glu1008fs (NM_015120.4); short protein forms E1007fs, E1008fs.
Identifiers: ClinVar variation 1977750 (VCV001977750.5), dbSNP rs2466096633, ClinGen allele CA2580611360.

ClinVar aggregate classification (germline): Pathogenic (1 of 4 stars; one submission).

Conditions:
Alstrom syndrome (ALMS). Identifiers: Orphanet 64, MedGen C0268425, MONDO:0008763, OMIM 203800.

Submission:

Labcorp Genetics (formerly Invitae), Labcorp
Classification: Pathogenic for Alstrom syndrome. Last evaluated: 2022-07-22. Review status: criteria provided, single submitter. Criteria: Invitae Variant Classification Sherloc (09022015). Collection method: clinical testing. Allele origin: germline.
Comment: For these reasons, this variant has been classified as Pathogenic. This variant has not been reported in the literature in individuals affected with ALMS1-related conditions. This variant is not present in population databases (gnomAD no frequency). This sequence change creates a premature translational stop signal (p.Glu1008Serfs*20) in the ALMS1 gene. It is expected to result in an absent or disrupted protein product. Loss-of-function variants in ALMS1 are known to be pathogenic (PMID: 17594715).

Literature cited by the submitters: PubMed 17594715.